The following is an entry in ClinVar:

ClinVar aggregate classification (germline): Uncertain significance (1 of 4 stars; one submission).

Allele frequency attached by ClinVar (database versions not stated): gnomAD exomes below 0.00001; ExAC 0.00001; gnomAD 0.00001; TOPMed 0.00001; 1000 Genomes Project 30x 0.00016; 1000 Genomes Project 0.00020.
gnomAD v4.1: 3 of 1,614,010 alleles (0.00019%); highest among the groups gnomAD compares: African/African-American, 0.004%; no homozygotes.

Submission:

Labcorp Genetics (formerly Invitae), Labcorp
Classification: Uncertain significance. Last evaluated: 2023-01-19. Review status: criteria provided, single submitter. Criteria: Invitae Variant Classification Sherloc (09022015). Collection method: clinical testing. Allele origin: germline.
Comment: This sequence change replaces phenylalanine, which is neutral and non-polar, with valine, which is neutral and non-polar, at codon 701 of the TFRC protein (p.Phe701Val). In summary, the available evidence is currently insufficient to determine the role of this variant in disease. Therefore, it has been classified as a Variant of Uncertain Significance. Advanced modeling of protein sequence and biophysical properties (such as structural, functional, and spatial information, amino acid conservation, physicochemical variation, residue mobility, and thermodynamic stability) performed at Invitae indicates that this missense variant is not expected to disrupt TFRC protein function. This variant has not been reported in the literature in individuals affected with TFRC-related conditions. This variant is present in population databases (rs534595346, gnomAD 0.008%).

NM_001128148.3(TFRC):c.2101T>G (p.Phe701Val)

Gene: TFRC (transferrin receptor; minus strand). Cytogenetic location: 3q29.
Variant type: single nucleotide variant.
Coding change: c.2101T>G on transcript NM_001128148.3 (MANE Select); coding-DNA position 2101, T replaced by G.
Protein change: p.Phe701Val; replaces phenylalanine 701 with valine.
Molecular consequence: missense variant.
Genome position (GRCh38, 1-based): chr3:196,052,124, A>C on the plus strand (T>G on the coding strand, the complement: TFRC is on the minus strand). VCF-style: chr3-196052124-A-C. GRCh37 (hg19) VCF-style: chr3-195778995-A-C.
Other names: c.1858T>G, p.Phe620Val (NM_001313965.2); c.1255T>G, p.Phe419Val (NM_001313966.2); c.2101T>G, p.Phe701Val (NM_003234.4); short protein forms F701V, F419V, F620V.
Identifiers: ClinVar variation 2827889 (VCV002827889.3), dbSNP rs534595346, ClinGen allele CA2777705.